The following is an entry in ClinVar:

ClinVar aggregate classification (germline): Uncertain significance. Review status: criteria provided, multiple submitters, no conflicts (2 of 4 stars). 2 submissions from 2 submitters: Uncertain significance (2). Last evaluated 2022-04-15.

Conditions:
Neonatal death. Also called: neonatal demise. Identifiers: MedGen C0410916, HP:0003811.

Allele frequency attached by ClinVar (database versions not stated): gnomAD exomes below 0.00001.
gnomAD v4.1: 38 of 1,611,192 alleles (0.0024%); highest among the groups gnomAD compares: Non-Finnish European, 0.0032%; no homozygotes.

Submissions (2):

Labcorp Genetics (formerly Invitae), Labcorp
Classification: Uncertain significance. Last evaluated: 2022-04-15. Review status: criteria provided, single submitter. Criteria: Invitae Variant Classification Sherloc (09022015). Collection method: clinical testing. Allele origin: germline.
Comment: This sequence change replaces glutamine, which is neutral and polar, with arginine, which is basic and polar, at codon 909 of the LAMC3 protein (p.Gln909Arg). This variant is present in population databases (no rsID available, gnomAD 0.0009%). This missense change has been observed in individual(s) with LAMC3-related conditions (PMID: 33639934). ClinVar contains an entry for this variant (Variation ID: 691961). Algorithms developed to predict the effect of missense changes on protein structure and function output the following: SIFT: "Tolerated"; PolyPhen-2: "Benign"; Align-GVGD: "Class C0". The arginine amino acid residue is found in multiple mammalian species, which suggests that this missense change does not adversely affect protein function. In summary, the available evidence is currently insufficient to determine the role of this variant in disease. Therefore, it has been classified as a Variant of Uncertain Significance.

Broad Center for Mendelian Genomics, Broad Institute of MIT and Harvard
Classification: Uncertain significance for Neonatal death. Last evaluated: 2019-10-03. Review status: criteria provided, single submitter. Criteria: ACMG Guidelines, 2015. Collection method: research. Allele origin: germline. Inheritance: Autosomal recessive inheritance. Affected: yes.
Comment: The p.Gln909Arg variant in LAMC3 has not been previously reported in individuals with posterior periventricular nodular heterotopia. The observation of the p.Gln909Arg variant in association with posterior periventricular nodular heterotopia may constitute a phenotype expansion. This variant has been identified in 0.00088% (1/113098) of European (non-Finnish) chromosomes by the Genome Aggregation Database (gnomAD; dbSNP rs1160626988). Although this variant has been seen in the general population, its frequency is not high enough to rule out a pathogenic role. It has not been observed in the general population in homozygosity. Computational prediction tools and conservation analyses do not provide strong support for or against an impact to the protein. Computational tools do suggest an impact on splicing and the p.Gln909Arg variant is located in a functional domain of LAMC3 that is known to have limited benign variation, though this information is not predictive enough to determine pathogenicity. In summary, the clinical significance of the p.Gln909Arg variant is uncertain. This study was performed in collaboration with Genetics and Molecular Pathology Research Laboratory, SA Pathology, Adelaide, South Australia. ACMG/AMP Criteria applied: PM2 (Richards 2015).

Literature cited by the submitters: PubMed 33639934 (cited by Labcorp Genetics (formerly Invitae), Labcorp).

NM_006059.4(LAMC3):c.2726A>G (p.Gln909Arg)

Gene: LAMC3 (laminin subunit gamma 3; plus strand). Cytogenetic location: 9q34.12.
Variant type: single nucleotide variant.
Coding change: c.2726A>G on transcript NM_006059.4 (MANE Select); coding-DNA position 2726, A replaced by G.
Protein change: p.Gln909Arg; replaces glutamine 909 with arginine.
Molecular consequence: missense variant.
Genome position (GRCh38, 1-based): chr9:131,068,210, A>G. VCF-style: chr9-131068210-A-G. GRCh37 (hg19) VCF-style: chr9-133943597-A-G.
Other names: short protein forms Q909R.
Identifiers: ClinVar variation 691961 (VCV000691961.3), dbSNP rs1160626988, ClinGen allele CA375253824.
Genomic context (GRCh38, chr9:131,068,210, plus strand): 5'-GCCTGCCTCATGTGACTGCACGGGACTGCAGCCGCTGCTACCCTGGCTTCTTCGACCTCC[A>G]GCCTGGGAGGGGCTGCCGGAGGTAGGTAGGGTGAGACTGCCGGTGCCCTGGGGACCTCTC-3'
Protein context (NP_006050.3, residues 899-919): SRCYPGFFDL[Gln909Arg]PGRGCRSCKC